The following is an entry in ClinVar:

ClinVar aggregate classification (germline): Conflicting classifications of pathogenicity. Review status: criteria provided, conflicting classifications (1 of 4 stars). 3 submissions from 3 submitters: Pathogenic (1); Likely pathogenic (1); Uncertain significance (1). Last evaluated 2023-04-19.

Conditions:
Inborn genetic diseases. Identifiers: MedGen C0950123, MeSH D030342.
MED13L-related disorder. Also called: MED13L-related condition.

Submissions (3):

GeneDx
Classification: Pathogenic. Last evaluated: 2023-04-19. Review status: criteria provided, single submitter. Criteria: GeneDx Variant Classification Process June 2021. Collection method: clinical testing. Allele origin: germline. Affected: yes.
Comment: Not observed at significant frequency in large population cohorts (gnomAD); In silico analysis supports that this missense variant has a deleterious effect on protein structure/function; Has not been previously published as pathogenic or benign to our knowledge

Blueprint Genetics
Classification: Likely pathogenic for MED13L-related disorders. Last evaluated: 2022-10-04. Review status: criteria provided, single submitter. Criteria: ACMG Guidelines, 2015. Collection method: clinical testing. Allele origin: germline. Affected: yes. Observed: 1 variant allele.

Ambry Genetics
Classification: Uncertain significance for Inborn genetic diseases. Last evaluated: 2020-03-23. Review status: criteria provided, single submitter. Criteria: Ambry Variant Classification Scheme 2023. Collection method: clinical testing. Allele origin: germline.
Comment: The alteration results in an amino acid change:_x000D_ _x000D_ The c.4387G>A (p.G1463R) alteration is located in coding exon 20 of the MED13L gene. This alteration results from a G to A substitution at nucleotide position 4387, causing the glycine (G) at amino acid position 1463 to be replaced by an arginine (R). The alteration is not observed in population databases: _x000D_ _x000D_ Based on data from the Genome Aggregation Database (gnomAD), the MED13L c.4387G>A alteration was not observed, with coverage at this position. The altered amino acid is conserved throughout evolution:_x000D_ _x000D_ The G1463 amino acid is conserved in available vertebrate species. in silico prediction is inconclusive:_x000D_ _x000D_ The in silico prediction for the G1463R alteration is inconclusive. Based on insufficient or conflicting evidence, the clinical significance of this alteration remains unclear.

NM_015335.5(MED13L):c.4387G>A (p.Gly1463Arg)

Gene: MED13L (mediator complex subunit 13L; minus strand). Cytogenetic location: 12q24.21.
Variant type: single nucleotide variant.
Coding change: c.4387G>A on transcript NM_015335.5 (MANE Select); coding-DNA position 4387, G replaced by A.
Protein change: p.Gly1463Arg; replaces glycine 1463 with arginine.
Molecular consequence: missense variant.
Genome position (GRCh38, 1-based): chr12:115,984,324, C>T on the plus strand (G>A on the coding strand, the complement: MED13L is on the minus strand). VCF-style: chr12-115984324-C-T. GRCh37 (hg19) VCF-style: chr12-116422129-C-T.
Other names: short protein forms G1463R.
Identifiers: ClinVar variation 546175 (VCV000546175.8), dbSNP rs1555243607, ClinGen allele CA386883753.